The following is an entry in ClinVar:

NM_000465.4(BARD1):c.7G>T (p.Asp3Tyr)

Gene: BARD1 (BRCA1 associated RING domain 1; minus strand). Cytogenetic location: 2q35.
Variant type: single nucleotide variant.
Coding change: c.7G>T on transcript NM_000465.4 (MANE Select); coding-DNA position 7, G replaced by T.
Protein change: p.Asp3Tyr; replaces aspartic acid 3 with tyrosine.
Molecular consequence: missense variant. On other transcripts: non-coding transcript variant (3).
Genome position (GRCh38, 1-based): chr2:214,809,563, C>A on the plus strand (G>T on the coding strand, the complement: BARD1 is on the minus strand). VCF-style: chr2-214809563-C-A. GRCh37 (hg19) VCF-style: chr2-215674287-C-A.
Other names: c.7G>T, p.Asp3Tyr (NM_001282543.2, NM_001282545.2, NM_001282548.2 and 1 more transcripts); short protein forms D3Y.
Identifiers: ClinVar variation 584634 (VCV000584634.5), dbSNP rs1060501282, ClinGen allele CA350465512.

ClinVar aggregate classification (germline): Uncertain significance. Review status: criteria provided, multiple submitters, no conflicts (2 of 4 stars). 2 submissions from 2 submitters: Uncertain significance (2). Last evaluated 2021-12-23.

Conditions:
Hereditary cancer-predisposing syndrome. Also called: Neoplastic Syndromes, Hereditary; Hereditary Cancer Syndrome; Tumor predisposition; Hereditary neoplastic syndrome. Identifiers: Orphanet 140162, MedGen C0027672, MeSH D009386, MONDO:0015356.
Familial cancer of breast. Also called: Hereditary breast cancer; hereditary breast carcinoma; BREAST CANCER, FAMILIAL. Identifiers: Orphanet 227535, MedGen C0346153, MONDO:0016419, OMIM 114480. Disease mechanism: loss of function.

Submissions (2):

Ambry Genetics
Classification: Uncertain significance for Hereditary cancer-predisposing syndrome. Last evaluated: 2021-12-23. Review status: criteria provided, single submitter. Criteria: Ambry Variant Classification Scheme 2023. Collection method: clinical testing. Allele origin: germline.
Comment: The p.D3Y variant (also known as c.7G>T), located in coding exon 1 of the BARD1 gene, results from a G to T substitution at nucleotide position 7. The aspartic acid at codon 3 is replaced by tyrosine, an amino acid with highly dissimilar properties. This amino acid position is conserved. In addition, the in silico prediction for this alteration is inconclusive. Since supporting evidence is limited at this time, the clinical significance of this alteration remains unclear.

Mendelics
Classification: Uncertain significance for Familial cancer of breast. Last evaluated: 2018-07-02. Review status: criteria provided, single submitter. Criteria: Mendelics Assertion Criteria 2017. Collection method: clinical testing. Allele origin: unknown.